The following is an entry in ClinVar:

NM_031844.3(HNRNPU):c.1186T>C (p.Tyr396His)

Gene: HNRNPU (heterogeneous nuclear ribonucleoprotein U; minus strand). Cytogenetic location: 1q44.
Variant type: single nucleotide variant.
Coding change: c.1186T>C on transcript NM_031844.3 (MANE Select); coding-DNA position 1186, T replaced by C.
Protein change: p.Tyr396His; replaces tyrosine 396 with histidine.
Molecular consequence: missense variant.
Genome position (GRCh38, 1-based): chr1:244,858,773, A>G on the plus strand (T>C on the coding strand, the complement: HNRNPU is on the minus strand). VCF-style: chr1-244858773-A-G. GRCh37 (hg19) VCF-style: chr1-245022075-A-G.
Other names: c.1129T>C, p.Tyr377His (NM_004501.3); short protein forms Y396H, Y377H.
Identifiers: ClinVar variation 532558 (VCV000532558.13), dbSNP rs1553282732, ClinGen allele CA345492206.

ClinVar aggregate classification (germline): Uncertain significance. Review status: criteria provided, multiple submitters, no conflicts (2 of 4 stars). 2 submissions from 2 submitters: Uncertain significance (2). Last evaluated 2025-08-26.

Conditions:
Developmental and epileptic encephalopathy, 54. Also called: Epileptic encephalopathy, early infantile, 54; HNRNPU-Related Neurodevelopmental Disorder. Identifiers: MedGen C4479319, MONDO:0033363, OMIM 617391.

Submissions (2):

3billion
Classification: Uncertain significance for Developmental and epileptic encephalopathy, 54. Last evaluated: 2025-08-26. Review status: criteria provided, single submitter. Criteria: ACMG Guidelines, 2015. Collection method: clinical testing. Allele origin: germline. Affected: yes.
Comment: The variant is not observed in the gnomAD v4.1.0 dataset. Predicted Consequence/Location: Missense variant In silico tool predictions suggest damaging effect of the variant on gene or gene product [REVEL: 0.76 (>=0.6, sensitivity 0.68 and specificity 0.92)]. The variant has been reported as of uncertain significance (ClinVar ID: VCV000532558). Therefore, this variant is classified as VUS according to the recommendation of ACMG/AMP guideline.

Labcorp Genetics (formerly Invitae), Labcorp
Classification: Uncertain significance for Developmental and epileptic encephalopathy, 54. Last evaluated: 2023-05-11. Review status: criteria provided, single submitter. Criteria: Invitae Variant Classification Sherloc (09022015). Collection method: clinical testing. Allele origin: germline.
Comment: In summary, the available evidence is currently insufficient to determine the role of this variant in disease. Therefore, it has been classified as a Variant of Uncertain Significance. This sequence change replaces tyrosine, which is neutral and polar, with histidine, which is basic and polar, at codon 396 of the HNRNPU protein (p.Tyr396His). This variant is not present in population databases (gnomAD no frequency). This variant has not been reported in the literature in individuals affected with HNRNPU-related conditions. ClinVar contains an entry for this variant (Variation ID: 532558). Advanced modeling of protein sequence and biophysical properties (such as structural, functional, and spatial information, amino acid conservation, physicochemical variation, residue mobility, and thermodynamic stability) performed at Invitae indicates that this missense variant is expected to disrupt HNRNPU protein function.